The following is an entry in ClinVar:

NM_004994.3(MMP9):c.70C>T (p.Arg24Cys)

Gene: MMP9 (matrix metallopeptidase 9; plus strand). Cytogenetic location: 20q13.12.
Variant type: single nucleotide variant.
Coding change: c.70C>T on transcript NM_004994.3 (MANE Select); coding-DNA position 70, C replaced by T.
Protein change: p.Arg24Cys; replaces arginine 24 with cysteine.
Molecular consequence: missense variant.
Genome position (GRCh38, 1-based): chr20:46,008,996, C>T. VCF-style: chr20-46008996-C-T. GRCh37 (hg19) VCF-style: chr20-44637635-C-T.
Other names: short protein forms R24C.
Identifiers: ClinVar variation 707836 (VCV000707836.18), dbSNP rs144023823, ClinGen allele CA9886310.

ClinVar aggregate classification (germline): Benign/Likely benign. Review status: criteria provided, multiple submitters, no conflicts (2 of 4 stars). 4 submissions from 4 submitters: Benign (1); Likely benign (2). 1 of the submissions does not count toward it. Last evaluated 2026-06-01.

Conditions:
MMP9-related disorder. Also called: MMP9-related condition.
Metaphyseal anadysplasia 2 (MANDP2). Also called: Metaphyseal anadysplasia 2, autosomal recessive. Identifiers: Orphanet 1040, MedGen C2751322, MONDO:0013113, OMIM 613073.

Allele frequency attached by ClinVar (database versions not stated): 1000 Genomes Project 30x 0.00078; 1000 Genomes Project 0.00100; TOPMed 0.00238; ESP Exome Variant Server 0.00284; gnomAD exomes 0.00351 and 0.00416; gnomAD 0.00384 and 0.00405; ExAC 0.00389.
gnomAD v4.1: 6,586 of 1,613,976 alleles (0.41%); highest among the groups gnomAD compares: Non-Finnish European, 0.46%; 26 homozygotes.

Submissions (4):

CeGaT Center for Human Genetics Tuebingen
Classification: Likely benign. Last evaluated: 2026-06-01. Review status: criteria provided, single submitter. Criteria: CeGaT Center For Human Genetics Tuebingen Variant Classification Criteria Version 2. Collection method: clinical testing. Allele origin: germline. Affected: yes. Observed: 1 variant allele.
Comment: MMP9: BP4, BS2

Labcorp Genetics (formerly Invitae), Labcorp
Classification: Benign. Last evaluated: 2026-01-26. Review status: criteria provided, single submitter. Criteria: Invitae Variant Classification Sherloc (09022015). Collection method: clinical testing. Allele origin: germline.

Illumina Laboratory Services, Illumina
Classification: Likely benign for Metaphyseal anadysplasia 2. Last evaluated: 2018-01-12. Review status: criteria provided, single submitter. Criteria: ICSL Variant Classification Criteria 13 December 2019. Collection method: clinical testing. Allele origin: germline.
Comment: This variant was observed in the ICSL laboratory as part of a predisposition screen in an ostensibly healthy population. It had not been previously curated by ICSL or reported in the Human Gene Mutation Database (HGMD: prior to June 1st, 2018), and was therefore a candidate for classification through an automated scoring system. Utilizing variant allele frequency, disease prevalence and penetrance estimates, and inheritance mode, an automated score was calculated to assess if this variant is too frequent to cause the disease. Based on the score and internal cut-off values, a variant classified as likely benign is not then subjected to further curation. The score for this variant resulted in a classification of likely benign for this disease.

PreventionGenetics, part of Exact Sciences
Classification: Benign for MMP9-related condition. Last evaluated: 2019-04-30. Review status: no assertion criteria provided. Collection method: clinical testing. Allele origin: germline. Not counted in ClinVar's aggregate classification.
Comment: This variant is classified as benign based on ACMG/AMP sequence variant interpretation guidelines (Richards et al. 2015 PMID: 25741868, with internal and published modifications).